The following is an entry in ClinVar:

NM_000069.3(CACNA1S):c.1269G>A (p.Trp423Ter)

Gene: CACNA1S (calcium voltage-gated channel subunit alpha1 S; minus strand). Cytogenetic location: 1q32.1.
Variant type: single nucleotide variant.
Coding change: c.1269G>A on transcript NM_000069.3 (MANE Select); coding-DNA position 1269, G replaced by A.
Protein change: p.Trp423Ter; replaces tryptophan 423 with a stop codon.
Molecular consequence: nonsense.
Genome position (GRCh38, 1-based): chr1:201,083,286, C>T on the plus strand (G>A on the coding strand, the complement: CACNA1S is on the minus strand). VCF-style: chr1-201083286-C-T. GRCh37 (hg19) VCF-style: chr1-201052414-C-T.
Other names: short protein forms W423*.
Identifiers: ClinVar variation 620320 (VCV000620320.1), dbSNP rs1558075630, ClinGen allele CA344126044.

ClinVar aggregate classification (germline): Likely pathogenic (1 of 4 stars; one submission).

gnomAD v4.1: 1 of 1,614,216 alleles (0.000062%); no homozygotes.

Submission:

GeneDx
Classification: Likely pathogenic. Last evaluated: 2018-08-17. Review status: criteria provided, single submitter. Criteria: GeneDx Variant Classification (06012015). Collection method: clinical testing. Allele origin: germline. Affected: yes.
Comment: The W423X variant has not been published as a pathogenic variant, nor has it been reported as a benign variant to our knowledge. The W423X variant is not observed in large population cohorts (Lek et al., 2016). This variant is predicted to cause loss of normal protein function either through protein truncation or nonsense-mediated mRNA decay.